The following is an entry in ClinVar:

NM_015158.5(KANK1):c.603T>G (p.Gly201=)

Gene: KANK1 (KN motif and ankyrin repeat domains 1; plus strand). Cytogenetic location: 9p24.3.
Variant type: single nucleotide variant.
Coding change: c.603T>G on transcript NM_015158.5 (MANE Select); coding-DNA position 603, T replaced by G.
Protein change: p.Gly201=; no amino-acid change (glycine 201 retained).
Molecular consequence: synonymous variant. On other transcripts: non-coding transcript variant (1).
Genome position (GRCh38, 1-based): chr9:711,369, T>G. VCF-style: chr9-711369-T-G. GRCh37 (hg19) VCF-style: chr9-711369-T-G.
Other names: c.603T>G, p.Gly201= (NM_001354334.2, NM_001256876.3, NM_001256877.3 and 2 more transcripts); c.129T>G, p.Gly43= (NM_001354335.2, NM_001354336.2, NM_001354337.2 and 9 more transcripts).
Identifiers: ClinVar variation 2659021 (VCV002659021.24), dbSNP rs1221232894, ClinGen allele CA463848751.

ClinVar aggregate classification (germline): Likely benign (1 of 4 stars; one submission).

Allele frequency attached by ClinVar (database versions not stated): gnomAD exomes below 0.00001; gnomAD 0.00001; TOPMed 0.00001.
gnomAD v4.1: 4 of 1,613,972 alleles (0.00025%); highest among the groups gnomAD compares: African/African-American, 0.004%; no homozygotes.

Submission:

CeGaT Center for Human Genetics Tuebingen
Classification: Likely benign. Last evaluated: 2023-04-01. Review status: criteria provided, single submitter. Criteria: CeGaT Center For Human Genetics Tuebingen Variant Classification Criteria Version 2. Collection method: clinical testing. Allele origin: germline. Affected: yes. Observed: 1 variant allele.
Comment: KANK1: BP4, BP7